The following is an entry in ClinVar:

ClinVar aggregate classification (germline): Uncertain significance (1 of 4 stars; one submission).

Allele frequency attached by ClinVar (database versions not stated): gnomAD exomes below 0.00001.

Submission:

Labcorp Genetics (formerly Invitae), Labcorp
Classification: Uncertain significance. Last evaluated: 2021-04-05. Review status: criteria provided, single submitter. Criteria: Invitae Variant Classification Sherloc (09022015). Collection method: clinical testing. Allele origin: germline.
Comment: This variant is not present in population databases (ExAC no frequency). This sequence change replaces serine with cysteine at codon 1038 of the POLE protein (p.Ser1038Cys). The serine residue is highly conserved and there is a moderate physicochemical difference between serine and cysteine. In summary, the available evidence is currently insufficient to determine the role of this variant in disease. Therefore, it has been classified as a Variant of Uncertain Significance. Algorithms developed to predict the effect of missense changes on protein structure and function (SIFT, PolyPhen-2, Align-GVGD) all suggest that this variant is likely to be disruptive, but these predictions have not been confirmed by published functional studies and their clinical significance is uncertain. This variant has not been reported in the literature in individuals with POLE-related conditions.

NM_006231.4(POLE):c.3113C>G (p.Ser1038Cys)

Gene: POLE (DNA polymerase epsilon, catalytic subunit; minus strand). Cytogenetic location: 12q24.33.
Variant type: single nucleotide variant.
Coding change: c.3113C>G on transcript NM_006231.4 (MANE Select); coding-DNA position 3113, C replaced by G.
Protein change: p.Ser1038Cys; replaces serine 1038 with cysteine.
Molecular consequence: missense variant.
Genome position (GRCh38, 1-based): chr12:132,659,457, G>C on the plus strand (C>G on the coding strand, the complement: POLE is on the minus strand). VCF-style: chr12-132659457-G-C. GRCh37 (hg19) VCF-style: chr12-133236043-G-C.
Other names: short protein forms S1038C.
Identifiers: ClinVar variation 1518046 (VCV001518046.8), dbSNP rs1593772724, ClinGen allele CA387391679.